The following is an entry in ClinVar:

ClinVar aggregate classification (germline): Uncertain significance. Review status: criteria provided, single submitter (1 of 4 stars). 2 submissions from 2 submitters: Uncertain significance (1). 1 of the submissions does not count toward it. Last evaluated 2025-09-02.

Conditions:
NXF5-related disorder. Also called: NXF5-related condition.

Allele frequency attached by ClinVar (database versions not stated): ExAC 0.00001; gnomAD exomes 0.00002; TOPMed 0.00002; ESP Exome Variant Server 0.00009.

Submissions (2):

Labcorp Genetics (formerly Invitae), Labcorp
Classification: Uncertain significance. Last evaluated: 2025-09-02. Review status: criteria provided, single submitter. Criteria: Invitae Variant Classification Sherloc (09022015). Collection method: clinical testing. Allele origin: germline.
Comment: This sequence change replaces valine, which is neutral and non-polar, with methionine, which is neutral and non-polar, at codon 322 of the NXF5 protein (p.Val322Met). This variant is present in population databases (rs367948078, gnomAD 0.007%). This variant has not been reported in the literature in individuals affected with NXF5-related conditions. ClinVar contains an entry for this variant (Variation ID: 2055722). An algorithm developed to predict the effect of missense changes on protein structure and function (PolyPhen-2) suggests that this variant is likely to be disruptive. In summary, the available evidence is currently insufficient to determine the role of this variant in disease. Therefore, it has been classified as a Variant of Uncertain Significance.

PreventionGenetics, part of Exact Sciences
Classification: Likely benign for NXF5-related condition. Last evaluated: 2023-12-21. Review status: no assertion criteria provided. Collection method: clinical testing. Allele origin: germline. Not counted in ClinVar's aggregate classification.
Comment: This variant is classified as likely benign based on ACMG/AMP sequence variant interpretation guidelines (Richards et al. 2015 PMID: 25741868, with internal and published modifications).

NC_000023.11:g.101837610C>T

Gene: NXF5 (nuclear RNA export factor 5; minus strand). Cytogenetic location: Xq22.1.
Variant type: single nucleotide variant.
Molecular consequence: non-coding transcript variant (on NR_028089.1).
Genome position: GRCh38 VCF-style: chrX-101837610-C-T. GRCh37 (hg19) VCF-style: chrX-101092582-C-T.
Other names: NM_032946.2:c.964G>A.
Identifiers: ClinVar variation 2055722 (VCV002055722.6), dbSNP rs367948078, ClinGen allele CA10474489.
Genomic context (GRCh38, chrX:101,837,610, plus strand): 5'-TGTCCACCAGGATGGAGGTGAAGTCATGCTGAGTTTCAGGCAATGCACTGAGGGAGTCCA[C>T]GTTTCGTGGACATTTTGTGTGCTTTAGCAGCTTCCTCTGCAGGTCTATAGAGAAGAAGAG-3'